The following is an entry in ClinVar:

ClinVar aggregate classification (germline): Uncertain significance (1 of 4 stars; one submission).

Conditions:
Joubert syndrome 21 (JBTS21). Identifiers: MedGen C3810212, MONDO:0014288, OMIM 615636.

Submission:

Labcorp Genetics (formerly Invitae), Labcorp
Classification: Uncertain significance for Joubert syndrome 21. Last evaluated: 2023-05-16. Review status: criteria provided, single submitter. Criteria: Invitae Variant Classification Sherloc (09022015). Collection method: clinical testing. Allele origin: germline.
Comment: In summary, the available evidence is currently insufficient to determine the role of this variant in disease. Therefore, it has been classified as a Variant of Uncertain Significance. Algorithms developed to predict the effect of missense changes on protein structure and function output the following: SIFT: "Not Available"; PolyPhen-2: "Benign"; Align-GVGD: "Not Available". The glutamine amino acid residue is found in multiple mammalian species, which suggests that this missense change does not adversely affect protein function. This variant has not been reported in the literature in individuals affected with CSPP1-related conditions. This variant is not present in population databases (gnomAD no frequency). This sequence change replaces arginine, which is basic and polar, with glutamine, which is neutral and polar, at codon 26 of the CSPP1 protein (p.Arg26Gln).

NM_001382391.1(CSPP1):c.-74G>A

Gene: CSPP1 (centrosome and spindle pole associated protein 1; plus strand). Cytogenetic location: 8q13.1.
Variant type: single nucleotide variant.
Coding change: c.-74G>A on transcript NM_001382391.1 (MANE Select); 74 bases upstream of the start codon, G replaced by A.
Molecular consequence: 5 prime UTR variant. On other transcripts: missense variant (3).
Genome position (GRCh38, 1-based): chr8:67,064,475, G>A. VCF-style: chr8-67064475-G-A. GRCh37 (hg19) VCF-style: chr8-67976710-G-A.
Other names: c.-74G>A (NM_001363131.2, NM_001363132.2, NM_001363133.2); c.77G>A, p.Arg26Gln (NM_001364869.1, NM_001364870.1, NM_024790.7); short protein forms R26Q.
Identifiers: ClinVar variation 2865036 (VCV002865036.1), dbSNP rs2487987003, ClinGen allele CA371208712.
Genomic context (GRCh38, chr8:67,064,475, plus strand): 5'-AGGTGGCCGCTGTAACCTCTTCGGTCCGCGACGATCCTCTAGAGCACTGTGTGTCTCCCC[G>A]GACGCGAGCCCGCTCCCCTGAGTAAGAGTCAGCCAGCCGCGGATGGGGAGCGTGAGTGGC-3'